The following is an entry in ClinVar:

ClinVar aggregate classification (germline): Uncertain significance (1 of 4 stars; one submission).

Submission:

Ambry Genetics
Classification: Uncertain significance. Last evaluated: 2021-08-03. Review status: criteria provided, single submitter. Criteria: Ambry Variant Classification Scheme 2023. Collection method: clinical testing. Allele origin: germline.
Comment: The p.Y285C variant (also known as c.854A>G), located in coding exon 6 of the IDH1 gene, results from an A to G substitution at nucleotide position 854. The tyrosine at codon 285 is replaced by cysteine, an amino acid with highly dissimilar properties. This amino acid position is conserved. In addition, this alteration is predicted to be deleterious by in silico analysis. Since supporting evidence is limited at this time, the clinical significance of this alteration remains unclear.

NM_005896.4(IDH1):c.854A>G (p.Tyr285Cys)

Gene: IDH1 (isocitrate dehydrogenase (NADP(+)) 1; minus strand). Cytogenetic location: 2q34.
Variant type: single nucleotide variant.
Coding change: c.854A>G on transcript NM_005896.4 (MANE Select); coding-DNA position 854, A replaced by G.
Protein change: p.Tyr285Cys; replaces tyrosine 285 with cysteine.
Molecular consequence: missense variant.
Genome position (GRCh38, 1-based): chr2:208,240,000, T>C on the plus strand (A>G on the coding strand, the complement: IDH1 is on the minus strand). VCF-style: chr2-208240000-T-C. GRCh37 (hg19) VCF-style: chr2-209104724-T-C.
Other names: c.854A>G, p.Tyr285Cys (NM_001282386.1, NM_001282387.1); short protein forms Y285C.
Identifiers: ClinVar variation 1763806 (VCV001763806.2), dbSNP rs2469016416, ClinGen allele CA350095627.